The following is an entry in ClinVar:

NM_018975.4(TERF2IP):c.43A>C (p.Thr15Pro)

Gene: TERF2IP (TERF2 interacting protein; plus strand). Cytogenetic location: 16q23.1.
Variant type: single nucleotide variant.
Coding change: c.43A>C on transcript NM_018975.4 (MANE Select); coding-DNA position 43, A replaced by C.
Protein change: p.Thr15Pro; replaces threonine 15 with proline.
Molecular consequence: missense variant. On other transcripts: non-coding transcript variant (1).
Genome position (GRCh38, 1-based): chr16:75,647,925, A>C. VCF-style: chr16-75647925-A-C. GRCh37 (hg19) VCF-style: chr16-75681823-A-C.
Other names: short protein forms T15P.
Identifiers: ClinVar variation 2448528 (VCV002448528.2), dbSNP rs1597182880, ClinGen allele CA396817107.

ClinVar aggregate classification (germline): Uncertain significance (1 of 4 stars; one submission).

Submission:

Ambry Genetics
Classification: Uncertain significance. Last evaluated: 2022-12-17. Review status: criteria provided, single submitter. Criteria: Ambry Variant Classification Scheme 2023. Collection method: clinical testing. Allele origin: germline.
Comment: The p.T15P variant (also known as c.43A>C), located in coding exon 1 of the TERF2IP gene, results from an A to C substitution at nucleotide position 43. The threonine at codon 15 is replaced by proline, an amino acid with highly similar properties. This amino acid position is conserved. In addition, this alteration is predicted to be tolerated by in silico analysis. Since supporting evidence is limited at this time, the clinical significance of this alteration remains unclear.